The following is an entry in ClinVar:

Conditions:
Breast-ovarian cancer, familial, susceptibility to, 1 (BROVCA1). Also called: BRCA1 Hereditary Breast and Ovarian Cancer; OVARIAN CANCER, SUSCEPTIBILITY TO. Identifiers: Orphanet 145, MedGen C2676676, MONDO:0011450, OMIM 604370. Disease mechanism: loss of function.

Submission:

Brotman Baty Institute, University of Washington
No classification provided (evidence only). Condition: Breast-ovarian cancer, familial 1. Review status: no classification provided. Collection method: in vitro. Allele origin: not applicable. Functional consequence: functionally_normal.
ClinVar note: "not provided" was previously submitted as the classification for the variant. However, the classification appeared to be based only on an observation of functional data so it was converted to no classification on 2025-07-30.

NM_007294.4(BRCA1):c.5244T>A (p.Gly1748=)

Gene: BRCA1 (BRCA1 DNA repair associated; minus strand). Cytogenetic location: 17q21.31.
Variant type: single nucleotide variant.
Coding change: c.5244T>A on transcript NM_007294.4 (MANE Select); coding-DNA position 5244, T replaced by A.
Protein change: p.Gly1748=; no amino-acid change (glycine 1748 retained).
Molecular consequence: synonymous variant.
Genome position (GRCh38, 1-based): chr17:43,057,085, A>T on the plus strand (T>A on the coding strand, the complement: BRCA1 is on the minus strand). VCF-style: chr17-43057085-A-T. GRCh37 (hg19) VCF-style: chr17-41209102-A-T.
Other names: c.5103T>A, p.Gly1701= (NM_001407694.1, NM_001407695.1, NM_001407696.1 and 13 more transcripts); c.5100T>A, p.Gly1700= (NM_001407732.1, NM_001407733.1, NM_001407734.1 and 21 more transcripts); c.5097T>A, p.Gly1699= (NM_001407838.1, NM_001407839.1, NM_001407841.1 and 12 more transcripts); c.5244T>A, p.Gly1748= (NM_001407854.1, NM_001407593.1, NM_001407594.1 and 7 more transcripts); c.5241T>A, p.Gly1747= (NM_001407858.1, NM_001407859.1, NM_001407860.1 and 17 more transcripts); c.5238T>A, p.Gly1746= (NM_001407861.1, NM_001407627.1, NM_001407628.1 and 14 more transcripts); c.5043T>A, p.Gly1681= (NM_001407862.1); c.5040T>A, p.Gly1680= (NM_001407863.1); and 72 more.
Identifiers: ClinVar variation 868218 (VCV000868218.3), dbSNP rs2051509086, ClinGen allele CA500144653.
Genomic context (GRCh38, chr17:43,057,085, plus strand): 5'-TTGTCAACTTGAGGGAGGGAGCTTTACCTTTCTGTCCTGGGATTCTCTTGCTCGCTTTGG[A>T]CCTTGGTGGTTTCTTCCATTGACCACATCTCCTCTGACTTCAAAATCATGCTGAAAGAAA-3'
Protein context (NP_009225.1, residues 1738-1758): GDVVNGRNHQ[Gly1748=]PKRARESQDR